The following is an entry in ClinVar:

ClinVar aggregate classification (germline): Uncertain significance. Review status: criteria provided, multiple submitters, no conflicts (2 of 4 stars). 9 submissions from 6 submitters: Uncertain significance (9). Last evaluated 2024-03-24.

Conditions:
Congenital myopathy 18. Also called: DIHYDROPYRIDINE RECEPTOR CONGENITAL MYOPATHY; DHPR CONGENITAL MYOPATHY; Myopathy, congenital, due to dihydropyridine receptor defect. Identifiers: MedGen C5830283, MONDO:0859514, OMIM 620246.
Thyrotoxic periodic paralysis, susceptibility to, 1 (TTPP1). Identifiers: Orphanet 79102, MedGen C2749982, MONDO:0008570, OMIM 188580.
Hypokalemic periodic paralysis, type 1. Also called: HypoPP; Hypokalemic Periodic Paralysis Type 1 (AD). Identifiers: Orphanet 681, MedGen C3714580, MONDO:0042979, OMIM 170400.
Malignant hyperthermia, susceptibility to, 5 (MHS5). Also called: CACNA1S-Related Malignant Hyperthermia Susceptibility. Identifiers: Orphanet 423, MedGen C1866077, MONDO:0011163, OMIM 601887.
Long QT syndrome (LQTS). Identifiers: MedGen C0023976, MeSH D008133, MONDO:0002442. Disease mechanism: loss of function. Inheritance: Various modes of inheritance.

Allele frequency attached by ClinVar (database versions not stated): gnomAD exomes below 0.00001.
gnomAD v4.1: 6 of 1,614,174 alleles (0.00037%); highest among the groups gnomAD compares: African/African-American, 0.0027%; no homozygotes.

Submissions (9):

All of Us Research Program, National Institutes of Health
Classification: Uncertain significance for Malignant hyperthermia, susceptibility to, 5. Last evaluated: 2024-03-24. Review status: criteria provided, single submitter. Criteria: ACMG Guidelines, 2015. Collection method: clinical testing. Allele origin: germline. Inheritance: Autosomal dominant inheritance. Observed: 1 variant allele, 1 heterozygote.
Comment: This missense variant replaces methionine with threonine at codon 493 of the CACNA1S protein. Computational prediction is inconclusive regarding the impact of this variant on protein structure and function. To our knowledge, functional studies have not been reported for this variant. This variant has not been reported in individuals affected with CACNA1S-related disorders in the literature. This variant has been identified in 1/251490 chromosomes in the general population by the Genome Aggregation Database (gnomAD). The available evidence is insufficient to determine the role of this variant in disease conclusively. Therefore, this variant is classified as a Variant of Uncertain Significance.

This study involves interpretation of variants in research participants for the purpose of population health screening. Participant phenotype was not available at the time of variant classification. Additional details can be found in publication PMID: 35346344, PMCID: PMC8962531

Color Diagnostics, LLC DBA Color Health
Classification: Uncertain significance for Malignant hyperthermia, susceptibility to, 5. Last evaluated: 2024-02-22. Review status: criteria provided, single submitter. Criteria: ACMG Guidelines, 2015. Collection method: clinical testing. Allele origin: germline.
Comment: This missense variant replaces methionine with threonine at codon 493 of the CACNA1S protein. Computational prediction is inconclusive regarding the impact of this variant on protein structure and function. To our knowledge, functional studies have not been reported for this variant. This variant has not been reported in individuals affected with CACNA1S-related disorders in the literature. This variant has been identified in 1/251490 chromosomes in the general population by the Genome Aggregation Database (gnomAD). The available evidence is insufficient to determine the role of this variant in disease conclusively. Therefore, this variant is classified as a Variant of Uncertain Significance.

Dept of Medical Biology, Uskudar University
Classification: Uncertain significance for Long QT syndrome. Last evaluated: 2024-01-08. Review status: criteria provided, single submitter. Criteria: Dept of Medical Biology Variant Classification. Collection method: research. Allele origin: maternal. Affected: yes. Observed: 1 variant allele.
Comment: Criteria: PM2, PP3

Genome-Nilou Lab
Classification: Uncertain significance for Malignant hyperthermia, susceptibility to, 5. Last evaluated: 2023-04-11. Review status: criteria provided, single submitter. Criteria: ACMG Guidelines, 2015. Collection method: clinical testing. Allele origin: germline. Affected: no.

Genome-Nilou Lab
Classification: Uncertain significance for Thyrotoxic periodic paralysis, susceptibility to, 1. Last evaluated: 2023-04-11. Review status: criteria provided, single submitter. Criteria: ACMG Guidelines, 2015. Collection method: clinical testing. Allele origin: germline. Affected: no.

Genome-Nilou Lab
Classification: Uncertain significance for Congenital myopathy 18. Last evaluated: 2023-04-11. Review status: criteria provided, single submitter. Criteria: ACMG Guidelines, 2015. Collection method: clinical testing. Allele origin: germline. Affected: no.

Genome-Nilou Lab
Classification: Uncertain significance for Hypokalemic periodic paralysis, type 1. Last evaluated: 2023-04-11. Review status: criteria provided, single submitter. Criteria: ACMG Guidelines, 2015. Collection method: clinical testing. Allele origin: germline. Affected: no.

Labcorp Genetics (formerly Invitae), Labcorp
Classification: Uncertain significance for Hypokalemic periodic paralysis, type 1; Malignant hyperthermia, susceptibility to, 5. Last evaluated: 2022-08-09. Review status: criteria provided, single submitter. Criteria: Invitae Variant Classification Sherloc (09022015). Collection method: clinical testing. Allele origin: germline.
Comment: This variant is present in population databases (no rsID available, gnomAD 0.0009%). This sequence change replaces methionine, which is neutral and non-polar, with threonine, which is neutral and polar, at codon 493 of the CACNA1S protein (p.Met493Thr). In summary, the available evidence is currently insufficient to determine the role of this variant in disease. Therefore, it has been classified as a Variant of Uncertain Significance. Advanced modeling of protein sequence and biophysical properties (such as structural, functional, and spatial information, amino acid conservation, physicochemical variation, residue mobility, and thermodynamic stability) performed at Invitae indicates that this missense variant is not expected to disrupt CACNA1S protein function. ClinVar contains an entry for this variant (Variation ID: 1393410). This variant has not been reported in the literature in individuals affected with CACNA1S-related conditions.

Breakthrough Genomics
Classification: Uncertain significance. Review status: criteria provided, single submitter. Criteria: ACMG Guidelines, 2015. Collection method: not provided. Allele origin: germline. Inheritance: Autosomal dominant inheritance. Affected: yes.

NM_000069.3(CACNA1S):c.1478T>C (p.Met493Thr)

Gene: CACNA1S (calcium voltage-gated channel subunit alpha1 S; minus strand). Cytogenetic location: 1q32.1.
Variant type: single nucleotide variant.
Coding change: c.1478T>C on transcript NM_000069.3 (MANE Select); coding-DNA position 1478, T replaced by C.
Protein change: p.Met493Thr; replaces methionine 493 with threonine.
Molecular consequence: missense variant.
Genome position (GRCh38, 1-based): chr1:201,078,020, A>G on the plus strand (T>C on the coding strand, the complement: CACNA1S is on the minus strand). VCF-style: chr1-201078020-A-G. GRCh37 (hg19) VCF-style: chr1-201047148-A-G.
Other names: short protein forms M493T.
Identifiers: ClinVar variation 1393410 (VCV001393410.11), dbSNP rs1411108885, ClinGen allele CA344122205.
Genomic context (GRCh38, chr1:201,078,020, plus strand): 5'-AGCAGGATCTCCAGGATACCGCTACACACCACGAAGCAGTCGAAGCGGTTGAAGATAGAC[A>G]TGAAGTACTGGCGCAGGCCCAGCCCGTACATCTTCATCAGCATCTCAGTGGTGAAGAGGG-3'
Protein context (NP_000060.2, residues 483-503): MYGLGLRQYF[Met493Thr]SIFNRFDCFV